The following is an entry in ClinVar:

ClinVar aggregate classification (germline): Uncertain significance (1 of 4 stars; one submission).

Conditions:
Cardiovascular phenotype. Identifiers: MedGen CN230736.

Submission:

Ambry Genetics
Classification: Uncertain significance for Cardiovascular phenotype. Last evaluated: 2025-12-01. Review status: criteria provided, single submitter. Criteria: Ambry Variant Classification Scheme 2023. Collection method: clinical testing. Allele origin: germline.
Comment: The p.D121E variant (also known as c.363T>G), located in coding exon 3 of the SCN2B gene, results from a T to G substitution at nucleotide position 363. The aspartic acid at codon 121 is replaced by glutamic acid, an amino acid with highly similar properties. This amino acid position is conserved. In addition, this alteration is predicted to be deleterious by in silico analysis. Based on the available evidence, the clinical significance of this variant remains unclear.

NM_004588.5(SCN2B):c.363T>G (p.Asp121Glu)

Gene: SCN2B (sodium voltage-gated channel beta subunit 2; minus strand). Cytogenetic location: 11q23.3.
Variant type: single nucleotide variant.
Coding change: c.363T>G on transcript NM_004588.5 (MANE Select); coding-DNA position 363, T replaced by G.
Protein change: p.Asp121Glu; replaces aspartic acid 121 with glutamic acid.
Molecular consequence: missense variant.
Genome position (GRCh38, 1-based): chr11:118,168,170, A>C on the plus strand (T>G on the coding strand, the complement: SCN2B is on the minus strand). VCF-style: chr11-118168170-A-C. GRCh37 (hg19) VCF-style: chr11-118038885-A-C.
Other names: short protein forms D121E.
Identifiers: ClinVar variation 4614923 (VCV004614923.1).